The following is an entry in ClinVar:

NM_001372044.2(SHANK3):c.994G>A (p.Ala332Thr)

Gene: SHANK3 (SH3 and multiple ankyrin repeat domains 3; plus strand). Cytogenetic location: 22q13.33.
Variant type: single nucleotide variant.
Coding change: c.994G>A on transcript NM_001372044.2 (MANE Select); coding-DNA position 994, G replaced by A.
Protein change: p.Ala332Thr; replaces alanine 332 with threonine.
Molecular consequence: missense variant.
Genome position (GRCh38, 1-based): chr22:50,679,312, G>A. VCF-style: chr22-50679312-G-A. GRCh37 (hg19) VCF-style: chr22-51117740-G-A.
Other names: c.769G>A (NM_033517.1); short protein forms A332T.
Identifiers: ClinVar variation 1187072 (VCV001187072.2), dbSNP rs1210893160, ClinGen allele CA515254187.
Genomic context (GRCh38, chr22:50,679,312, plus strand): 5'-GTAGGGGTGGGGGCCCTAGCCTCTGCCCAGGGACCCTACAGCACCTTGCTCTTCCCCCAG[G>A]CCTGCCGCTTTGGGCACGTGCAGCATCTGGAGCACCTGCTGTTCTATGGGGCAGACATGG-3'
Protein context (NP_001358973.1, residues 322-342): DENGWQEIHQ[Ala332Thr]CRFGHVQHLE

ClinVar aggregate classification (germline): Uncertain significance (1 of 4 stars; one submission).

Allele frequency attached by ClinVar (database versions not stated): TOPMed below 0.00001; gnomAD 0.00001; gnomAD exomes 0.00001.

Submission:

GeneDx
Classification: Uncertain significance. Last evaluated: 2021-01-11. Review status: criteria provided, single submitter. Criteria: GeneDx Variant Classification Process June 2021. Collection method: clinical testing. Allele origin: germline. Affected: yes.
Comment: In silico analysis supports that this missense variant has a deleterious effect on protein structure/function; Has not been previously published as pathogenic or benign to our knowledge